The following is an entry in ClinVar:

NM_032217.5(ANKRD17):c.988_989del (p.Gln330fs)

Gene: ANKRD17 (ankyrin repeat domain 17; minus strand). Cytogenetic location: 4q13.3.
Variant type: Microsatellite.
Coding change: c.988_989del on transcript NM_032217.5 (MANE Select); coding-DNA positions 988 to 989, 2 bases deleted (CA; older notation c.988_989delCA).
Protein change: p.Gln330fs; shifts the reading frame from glutamine 330.
Molecular consequence: frameshift variant.
Genome position (GRCh38, 1-based): chr4:73,155,642-73,155,643, TG deleted on the plus strand (CA on the coding strand, the reverse complement: ANKRD17 is on the minus strand); deleting any 2 consecutive bases within chr4:73,155,642-73,155,645 gives the same sequence; the c. name uses the placement nearest the transcript's 3' end. VCF-style (leftmost placement, unchanged base first): chr4-73155641-CTG-C. GRCh37 (hg19) VCF-style: chr4-74021358-CTG-C.
Other names: c.649_650del, p.Gln217fs (NM_001286771.3); c.988_989del, p.Gln330fs (NM_015574.2, NM_198889.3); short protein forms Q217fs, Q330fs.
Identifiers: ClinVar variation 2654823 (VCV002654823.24), dbSNP rs2531262327, ClinGen allele CA2695199387.

ClinVar aggregate classification (germline): Pathogenic (1 of 4 stars; one submission).

Submission:

CeGaT Center for Human Genetics Tuebingen
Classification: Pathogenic. Last evaluated: 2023-10-01. Review status: criteria provided, single submitter. Criteria: CeGaT Center For Human Genetics Tuebingen Variant Classification Criteria Version 2. Collection method: clinical testing. Allele origin: germline. Affected: yes. Observed: 1 variant allele.
Comment: ANKRD17: PVS1, PS2, PM2